The following is an entry in ClinVar:

NM_032122.5(DTNBP1):c.811+96G>A

Gene: DTNBP1 (dystrobrevin binding protein 1; minus strand). Cytogenetic location: 6p22.3.
Variant type: single nucleotide variant.
Coding change: c.811+96G>A on transcript NM_032122.5 (MANE Select); 96 bases into the intron after coding-DNA position 811, G replaced by A.
Molecular consequence: intron variant. On other transcripts: missense variant (1), non-coding transcript variant (1).
Genome position (GRCh38, 1-based): chr6:15,524,430, C>T on the plus strand (G>A on the coding strand, the complement: DTNBP1 is on the minus strand). VCF-style: chr6-15524430-C-T. GRCh37 (hg19) VCF-style: chr6-15524661-C-T.
Other names: c.907G>A, p.Ala303Thr (NM_183040.2); c.706+96G>A (NM_001271669.2); c.760+96G>A (NM_001271668.2); c.568+96G>A (NM_001271667.2); short protein forms A303T.
Identifiers: ClinVar variation 163300 (VCV000163300.32), dbSNP rs16876569, ClinGen allele CA175978.

ClinVar aggregate classification (germline): Benign/Likely benign. Review status: criteria provided, multiple submitters, no conflicts (2 of 4 stars). 6 submissions from 6 submitters: Benign (1); Likely benign (2). 3 of the submissions do not count toward it. Last evaluated 2023-07-01.

Conditions:
DTNBP1-related disorder. Also called: DTNBP1-related condition.
Hermansky-Pudlak syndrome 7 (HPS7). Identifiers: Orphanet 231531, Orphanet 79430, MedGen C3279756, MONDO:0013559, OMIM 614076.

Allele frequency attached by ClinVar (database versions not stated): 1000 Genomes Project 30x 0.00078; 1000 Genomes Project 0.00100; gnomAD exomes 0.00340 and 0.00553; ExAC 0.00344; TOPMed 0.00394; gnomAD 0.00399 and 0.00424; ESP Exome Variant Server 0.00423.
gnomAD v4.1: 8,701 of 1,614,120 alleles (0.54%); highest among the groups gnomAD compares: Non-Finnish European, 0.65%; 28 homozygotes.

Submissions (6):

CeGaT Center for Human Genetics Tuebingen
Classification: Likely benign. Last evaluated: 2023-07-01. Review status: criteria provided, single submitter. Criteria: CeGaT Center For Human Genetics Tuebingen Variant Classification Criteria Version 2. Collection method: clinical testing. Allele origin: germline. Affected: yes. Observed: 1 variant allele.
Comment: DTNBP1: BP4, BS2

Department of Pathology and Laboratory Medicine, Sinai Health System
Classification: Benign for Hermansky-Pudlak syndrome 7. Last evaluated: 2021-08-25. Review status: criteria provided, single submitter. Criteria: ACMG Guidelines, 2015. Collection method: research. Allele origin: germline.

Laboratory for Molecular Medicine, Mass General Brigham Personalized Medicine
Classification: Likely benign. Last evaluated: 2013-02-21. Review status: criteria provided, single submitter. Criteria: LMM Criteria. Collection method: clinical testing. Allele origin: germline. Observed: 1 variant allele.
Comment: Ala303Thr in exon 9A of DTNBP1: This variant is not expected to have clinical si gnificance because it has been identified in 0.6% (49/8600) of European American chromosomes from a broad population by the NHLBI Exome Sequencing Project (dbSNP rs16876569).

PreventionGenetics, part of Exact Sciences
Classification: Likely benign for DTNBP1-related condition. Last evaluated: 2020-07-02. Review status: no assertion criteria provided. Collection method: clinical testing. Allele origin: germline. Not counted in ClinVar's aggregate classification.
Comment: This variant is classified as likely benign based on ACMG/AMP sequence variant interpretation guidelines (Richards et al. 2015 PMID: 25741868, with internal and published modifications).

Clinical Genetics DNA and cytogenetics Diagnostics Lab, Erasmus MC, Erasmus Medical Center
Classification: Likely benign. Review status: no assertion criteria provided. Collection method: clinical testing. Allele origin: germline. Affected: yes. Study: VKGL Data-share Consensus. Not counted in ClinVar's aggregate classification.

Laboratory of Diagnostic Genome Analysis, Leiden University Medical Center (LUMC)
Classification: Likely benign. Review status: no assertion criteria provided. Collection method: clinical testing. Allele origin: germline. Affected: yes. Study: VKGL Data-share Consensus. Not counted in ClinVar's aggregate classification.